The following is an entry in ClinVar:

NM_003072.5(SMARCA4):c.3669C>T (p.Asn1223=)

Gene: SMARCA4 (SWI/SNF related BAF chromatin remodeling complex subunit ATPase 4; plus strand). Cytogenetic location: 19p13.2.
Variant type: single nucleotide variant.
Coding change: c.3669C>T on transcript NM_003072.5 (MANE Select); coding-DNA position 3669, C replaced by T.
Protein change: p.Asn1223=; no amino-acid change (asparagine 1223 retained).
Molecular consequence: synonymous variant. On other transcripts: non-coding transcript variant (1).
Genome position (GRCh38, 1-based): chr19:11,033,412, C>T. VCF-style: chr19-11033412-C-T. GRCh37 (hg19) VCF-style: chr19-11144088-C-T.
Other names: c.3669C>T, p.Asn1223= (NM_001128844.3, NM_001128845.2, NM_001128846.2 and 5 more transcripts).
Identifiers: ClinVar variation 328034 (VCV000328034.47), dbSNP rs28997581, ClinGen allele CA9204484.

ClinVar aggregate classification (germline): Benign/Likely benign. Review status: criteria provided, multiple submitters, no conflicts (2 of 4 stars). 8 submissions from 8 submitters: Benign (4); Likely benign (4). Last evaluated 2026-07-15.

Conditions:
Coffin-Siris syndrome. Identifiers: Orphanet 1465, MedGen C0265338, MONDO:0015452.
Hereditary cancer-predisposing syndrome. Also called: Tumor predisposition; Neoplastic Syndromes, Hereditary; Hereditary neoplastic syndrome; Hereditary Cancer Syndrome. Identifiers: Orphanet 140162, MedGen C0027672, MeSH D009386, MONDO:0015356.
Intellectual disability, autosomal dominant 16 (CSS4). Also called: COFFIN-SIRIS SYNDROME 4. Identifiers: Orphanet 1465, MedGen C3553249, MONDO:0013821, OMIM 614609.
Rhabdoid tumor predisposition syndrome 2 (RTPS2). Identifiers: Orphanet 231108, Orphanet 69077, MedGen C2750074, MONDO:0013224, OMIM 613325.

Allele frequency attached by ClinVar (database versions not stated): TOPMed 0.00012; ExAC 0.00014; gnomAD exomes 0.00015 and 0.00008; ESP Exome Variant Server 0.00031; gnomAD 0.00007.
gnomAD v4.1: 227 of 1,613,364 alleles (0.014%); highest among the groups gnomAD compares: Non-Finnish European, 0.018%; no homozygotes.

Submissions (8):

Myriad Genetics, Inc.
Classification: Benign for Rhabdoid tumor predisposition syndrome 2. Last evaluated: 2026-07-15. Review status: criteria provided, single submitter. Criteria: Myriad Autosomal Dominant, Autosomal Recessive and X-Linked Classification Criteria (2023). Collection method: clinical testing. Allele origin: unknown.
Comment: This variant is considered benign. This variant is a silent/synonymous amino acid change and it is not expected to impact splicing.

Labcorp Genetics (formerly Invitae), Labcorp
Classification: Likely benign for Rhabdoid tumor predisposition syndrome 2. Last evaluated: 2026-01-25. Review status: criteria provided, single submitter. Criteria: Invitae Variant Classification Sherloc (09022015). Collection method: clinical testing. Allele origin: germline.

Quest Diagnostics Nichols Institute San Juan Capistrano
Classification: Benign. Last evaluated: 2023-06-06. Review status: criteria provided, single submitter. Criteria: Quest Diagnostics criteria. Collection method: clinical testing. Allele origin: unknown.

CeGaT Center for Human Genetics Tuebingen
Classification: Likely benign. Last evaluated: 2023-04-01. Review status: criteria provided, single submitter. Criteria: CeGaT Center For Human Genetics Tuebingen Variant Classification Criteria Version 2. Collection method: clinical testing. Allele origin: germline. Affected: yes. Observed: 1 variant allele.
Comment: SMARCA4: BP4, BP7

Genome-Nilou Lab
Classification: Benign for Intellectual disability, autosomal dominant 16. Last evaluated: 2021-07-15. Review status: criteria provided, single submitter. Criteria: ACMG Guidelines, 2015. Collection method: clinical testing. Allele origin: germline. Affected: no.

Sema4
Classification: Likely benign for Hereditary cancer-predisposing syndrome. Last evaluated: 2021-03-19. Review status: criteria provided, single submitter. Criteria: Sema4 Curation Guidelines. Collection method: curation. Allele origin: germline.

Illumina Laboratory Services, Illumina
Classification: Benign for Coffin-Siris syndrome. Last evaluated: 2018-01-13. Review status: criteria provided, single submitter. Criteria: ICSL Variant Classification Criteria 13 December 2019. Collection method: clinical testing. Allele origin: germline.
Comment: This variant was observed in the ICSL laboratory as part of a predisposition screen in an ostensibly healthy population. It had not been previously curated by ICSL or reported in the Human Gene Mutation Database (HGMD: prior to June 1st, 2018), and was therefore a candidate for classification through an automated scoring system. Utilizing variant allele frequency, disease prevalence and penetrance estimates, and inheritance mode, an automated score was calculated to assess if this variant is too frequent to cause the disease. Based on the score and internal cut-off values, a variant classified as benign is not then subjected to further curation. The score for this variant resulted in a classification of benign for this disease.

Ambry Genetics
Classification: Likely benign for Hereditary cancer-predisposing syndrome. Last evaluated: 2015-08-03. Review status: criteria provided, single submitter. Criteria: Ambry Variant Classification Scheme 2023. Collection method: clinical testing. Allele origin: germline.